The following is an entry in ClinVar:

ClinVar aggregate classification (germline): Likely benign (1 of 4 stars; one submission).

gnomAD v4.1: 600 of 1,613,934 alleles (0.037%); highest among the groups gnomAD compares: East Asian, 1.1%; 9 homozygotes.

Submission:

CeGaT Center for Human Genetics Tuebingen
Classification: Likely benign. Last evaluated: 2025-10-01. Review status: criteria provided, single submitter. Criteria: CeGaT Center For Human Genetics Tuebingen Variant Classification Criteria Version 2. Collection method: clinical testing. Allele origin: germline. Affected: yes. Observed: 1 variant allele.
Comment: TNPO2: BP4, BP7, BS1

NM_001382241.1(TNPO2):c.2655G>A (p.Pro885=)

Genes: TNPO2 (transportin 2; minus strand), LOC126862859 (CDK7 strongly-dependent group 2 enhancer GRCh37_chr19:12811952-12813151; plus strand). Cytogenetic location: 19p13.13.
Variant type: single nucleotide variant.
Coding change: c.2655G>A on transcript NM_001382241.1 (MANE Select); coding-DNA position 2655, G replaced by A.
Protein change: p.Pro885=; no amino-acid change (proline 885 retained).
Molecular consequence: synonymous variant. On other transcripts: non-coding transcript variant (6).
Genome position (GRCh38, 1-based): chr19:12,701,385, C>T on the plus strand (G>A on the coding strand, the complement: TNPO2 is on the minus strand). VCF-style: chr19-12701385-C-T. GRCh37 (hg19) VCF-style: chr19-12812199-C-T.
Other names: c.2625G>A, p.Pro875= (NM_001136195.2, NM_001382236.1, NM_001382237.1 and 3 more transcripts); c.2655G>A, p.Pro885= (NM_001136196.2, NM_001382240.1, NM_001382242.1); c.2619G>A, p.Pro873= (NM_001382243.1).
Identifiers: ClinVar variation 4534019 (VCV004534019.6).